The following is an entry in ClinVar:

NM_016604.4(KDM3B):c.1478A>G (p.Asn493Ser)

Gene: KDM3B (lysine demethylase 3B; plus strand). Cytogenetic location: 5q31.2.
Variant type: single nucleotide variant.
Coding change: c.1478A>G on transcript NM_016604.4 (MANE Select); coding-DNA position 1478, A replaced by G.
Protein change: p.Asn493Ser; replaces asparagine 493 with serine.
Molecular consequence: missense variant.
Genome position (GRCh38, 1-based): chr5:138,391,110, A>G. VCF-style: chr5-138391110-A-G. GRCh37 (hg19) VCF-style: chr5-137726799-A-G.
Other names: short protein forms N493S.
Identifiers: ClinVar variation 2323540 (VCV002323540.3), dbSNP rs374421164, ClinGen allele CA3428917.
Genomic context (GRCh38, chr5:138,391,110, plus strand): 5'-GAGCACCTCTCCCTAGTTCATCGCAACCTTTGACTTTTGGAAGTGGAAGGAGCCAGTCCA[A>G]TGGTGTTCTAGCCACAGAGAACAAACCTTTGGGCTTCTCTTTTGGCTGTAGCTCTGCACA-3'
Protein context (NP_057688.3, residues 483-503): LTFGSGRSQS[Asn493Ser]GVLATENKPL

ClinVar aggregate classification (germline): Likely benign. Review status: criteria provided, multiple submitters, no conflicts (2 of 4 stars). 2 submissions from 2 submitters: Likely benign (2). Last evaluated 2026-08-01.

Conditions:
Inborn genetic diseases. Identifiers: MedGen C0950123, MeSH D030342.

Allele frequency attached by ClinVar (database versions not stated): gnomAD exomes 0.00004; gnomAD 0.00007; ESP Exome Variant Server 0.00008; TOPMed 0.00009.
gnomAD v4.1: 69 of 1,613,968 alleles (0.0043%); highest among the groups gnomAD compares: African/African-American, 0.013%; no homozygotes.

Submissions (2):

CeGaT Center for Human Genetics Tuebingen
Classification: Likely benign. Last evaluated: 2026-08-01. Review status: criteria provided, single submitter. Criteria: CeGaT Center For Human Genetics Tuebingen Variant Classification Criteria Version 2. Collection method: clinical testing. Allele origin: germline. Affected: yes. Observed: 1 variant allele.
Comment: KDM3B: BP4, BS1

Ambry Genetics
Classification: Likely benign for Inborn genetic diseases. Last evaluated: 2022-11-07. Review status: criteria provided, single submitter. Criteria: Ambry Variant Classification Scheme 2023. Collection method: clinical testing. Allele origin: germline.